The following is an entry in ClinVar:

NM_005634.3(SOX3):c.1232C>T (p.Ala411Val)

Gene: SOX3 (SRY-box transcription factor 3; minus strand). Cytogenetic location: Xq27.1.
Variant type: single nucleotide variant.
Coding change: c.1232C>T on transcript NM_005634.3 (MANE Select); coding-DNA position 1232, C replaced by T.
Protein change: p.Ala411Val; replaces alanine 411 with valine.
Molecular consequence: missense variant.
Genome position (GRCh38, 1-based): chrX:140,503,829, G>A on the plus strand (C>T on the coding strand, the complement: SOX3 is on the minus strand). VCF-style: chrX-140503829-G-A. GRCh37 (hg19) VCF-style: chrX-139585994-G-A.
Other names: short protein forms A411V.
Identifiers: ClinVar variation 4851816 (VCV004851816.1).

ClinVar aggregate classification (germline): Uncertain significance (1 of 4 stars; one submission).

Submission:

Dasa
Classification: Uncertain significance. Last evaluated: 2026-04-02. Review status: criteria provided, single submitter. Criteria: DASA Assertion Criteria. Collection method: clinical testing. Allele origin: germline.
Comment: NM_005634.3(SOX3):c.1232C>T (p.Ala411Val) is a missense variant that results in the substitution of alanine with valine. Multiple computational predictions support a deleterious effect on the gene or gene product. The variant is present at low frequency in population datasets. Based on the available data, this variant is classified as variant of uncertain significance.